The following is an entry in ClinVar:

ClinVar aggregate classification (germline): Conflicting classifications of pathogenicity. Review status: criteria provided, conflicting classifications (1 of 4 stars). 3 submissions from 3 submitters: Uncertain significance (2); Likely benign (1). Last evaluated 2024-12-07.

Conditions:
Inborn genetic diseases. Identifiers: MedGen C0950123, MeSH D030342.
Thrombocytopenia 2 (THC2). Also called: ANKRD26-Related Thrombocytopenia. Identifiers: Orphanet 268322, MedGen C1861185, MONDO:0008555, OMIM 188000.

gnomAD v4.1: 8 of 1,614,076 alleles (0.0005%); highest among the groups gnomAD compares: East Asian, 0.0022%; no homozygotes.

Submissions (3):

Ambry Genetics
Classification: Likely benign for Inborn genetic diseases. Last evaluated: 2024-12-07. Review status: criteria provided, single submitter. Criteria: Ambry Variant Classification Scheme 2023. Collection method: clinical testing. Allele origin: germline.

St. Jude Molecular Pathology, St. Jude Children's Research Hospital
Classification: Uncertain significance for Thrombocytopenia 2. Last evaluated: 2024-04-11. Review status: criteria provided, single submitter. Criteria: St. Jude Assertion Criteria 2020. Collection method: clinical testing. Allele origin: germline.
Comment: The ANKRD26 c.2125A>T (p.Met709Leu) missense change has a maximum subpopulation frequency of 0.006% in gnomAD v2.1.1. This variant is not located in the 5' UTR. The in silico tool REVEL predicts a benign effect on protein function, but this prediction has not been confirmed by functional studies. This variant has not been reported in individuals with ANKRD26-related thrombocytopenia. In summary, the evidence currently available is insufficient to determine the clinical significance of this variant. It has therefore been classified as of uncertain significance.

GeneDx
Classification: Uncertain significance. Last evaluated: 2023-06-21. Review status: criteria provided, single submitter. Criteria: GeneDx Variant Classification Process June 2021. Collection method: clinical testing. Allele origin: germline. Affected: yes.
Comment: Not observed at significant frequency in large population cohorts (gnomAD); In silico analysis supports that this missense variant does not alter protein structure/function; Has not been previously published as pathogenic or benign to our knowledge

NM_014915.3(ANKRD26):c.2125A>T (p.Met709Leu)

Gene: ANKRD26 (ankyrin repeat domain 26; minus strand). Cytogenetic location: 10p12.1.
Variant type: single nucleotide variant.
Coding change: c.2125A>T on transcript NM_014915.3 (MANE Select); coding-DNA position 2125, A replaced by T.
Protein change: p.Met709Leu; replaces methionine 709 with leucine.
Molecular consequence: missense variant.
Genome position (GRCh38, 1-based): chr10:27,043,462, T>A on the plus strand (A>T on the coding strand, the complement: ANKRD26 is on the minus strand). VCF-style: chr10-27043462-T-A. GRCh37 (hg19) VCF-style: chr10-27332391-T-A.
Other names: c.2122A>T, p.Met708Leu (NM_001256053.2); short protein forms M708L, M709L.
Identifiers: ClinVar variation 3359936 (VCV003359936.3).